The following is an entry in ClinVar:

ClinVar aggregate classification (germline): Conflicting classifications of pathogenicity. Review status: criteria provided, conflicting classifications (1 of 4 stars). 10 submissions from 10 submitters: Pathogenic (4); Likely pathogenic (3); Uncertain significance (3). Last evaluated 2026-07-23.

Conditions:
Arrhythmogenic right ventricular cardiomyopathy (ARVD). Also called: Arrhythmogenic cardiomyopathy; Cardiomyopathy, ARVC; Arrhythmogenic right ventricular dysplasia; Arrhythmogenic Right Ventricular Cardiomyopathy (ARVC). Identifiers: Orphanet 247, MedGen C0349788, MeSH D019571, MONDO:0016587. Disease mechanism: loss of function. Inheritance: Various modes of inheritance.
DSG2-related disorders.
Cardiomyopathy (CMYO). Also called: Cardiomyopathies. Identifiers: Orphanet 167848, MedGen C0878544, MONDO:0004994, HP:0001638. Inheritance: Various modes of inheritance.
Arrhythmogenic right ventricular dysplasia 10. Also called: Arrhythmogenic Right Ventricular Dysplasia/Cardiomyopathy10; ARRHYTHMOGENIC RIGHT VENTRICULAR DYSPLASIA, FAMILIAL, 10; Arrhythmogenic right ventricular dysplasia/cardiomyopathy, type 10. Identifiers: MedGen C1857777, MONDO:0012434, OMIM 610193.

Allele frequency attached by ClinVar (database versions not stated): gnomAD 0.00001 and 0.00002; TOPMed 0.00002.

Submissions (10):

GeneDx
Classification: Likely pathogenic. Last evaluated: 2026-07-23. Review status: criteria provided, single submitter. Criteria: GeneDx Variant Classification Process June 2021. Collection method: clinical testing. Allele origin: germline.
Comment: Reported in patients with ARVC in published literature but detailed clinical information was not included (PMID: 36264615); Not observed at significant frequency in large population cohorts (gnomAD); Initiation codon variant in a gene for which loss of function is a known mechanism of disease; This variant is associated with the following publications: (PMID: 33968641, 39486665, 20829228, 36264615)

CeGaT Center for Human Genetics Tuebingen
Classification: Likely pathogenic. Last evaluated: 2025-12-01. Review status: criteria provided, single submitter. Criteria: CeGaT Center For Human Genetics Tuebingen Variant Classification Criteria Version 2. Collection method: clinical testing. Allele origin: germline. Affected: yes. Observed: 4 variant alleles.
Comment: DSG2: PS1:Moderate, PVS1:Moderate, PM2:Supporting, PS4:Supporting

Labcorp Genetics (formerly Invitae), Labcorp
Classification: Pathogenic for Arrhythmogenic right ventricular dysplasia 10. Last evaluated: 2025-07-30. Review status: criteria provided, single submitter. Criteria: Invitae Variant Classification Sherloc (09022015). Collection method: clinical testing. Allele origin: germline.
Comment: This sequence change affects the initiator codon of the DSG2 mRNA. This change may impact translation initiation or efficiency. The next in-frame methionine is located at codon 179. This variant is not present in population databases (gnomAD no frequency). Disruption of the initiator codon has been observed in individual(s) with arrhythmogenic right ventricular cardiomyopathy (PMID: 17105751, 20829228). It has also been observed to segregate with disease in related individuals. ClinVar contains an entry for this variant (Variation ID: 657863). This variant disrupts the p.Arg49 amino acid residue in DSG2. Other variant(s) that disrupt this residue have been determined to be pathogenic (PMID: 19151369). This suggests that this residue is clinically significant, and that variants that disrupt this residue are likely to be disease-causing. For these reasons, this variant has been classified as Pathogenic.

Color Diagnostics, LLC DBA Color Health
Classification: Uncertain significance for Cardiomyopathy. Last evaluated: 2025-01-06. Review status: criteria provided, single submitter. Criteria: ACMG Guidelines, 2015. Collection method: clinical testing. Allele origin: germline.
Comment: This variant alters methionine at codon 1 of the DSG2 mRNA that serves as the translation initiation codon. An alternate in-frame methionine downstream of the initiator methionine occurs at codon 179 in extracellular cadherin domain 2, after signal peptide and propeptide. To our knowledge, functional studies have not been reported for this variant. This variant has been reported in two siblings affected with arrhythmogenic right ventricular cardiomyopathy, along with a second missense variant of uncertain significance in the same gene (PMID: 20829228), and in an individual with unspecified phenotype (PMID: 33968641). This variant has not been identified in the general population by the Genome Aggregation Database (gnomAD). Although there is a suspicion for a pathogenic role, clinical relevance of loss-of-function DSG2 variants in autosomal dominant arrhythmogenic right ventricular cardiomyopathy is not yet clearly established. The available evidence is insufficient to determine the role of this variant in disease conclusively. Therefore, this variant is classified as a Variant of Uncertain Significance.

Blueprint Genetics
Classification: Pathogenic for DSG2-related disorders. Last evaluated: 2024-07-11. Review status: criteria provided, single submitter. Criteria: ACMG Guidelines, 2015. Collection method: clinical testing. Allele origin: germline. Affected: yes. Observed: 3 variant alleles.

Human Genetics Bochum, Ruhr University Bochum
Classification: Pathogenic for Arrhythmogenic right ventricular dysplasia 10. Last evaluated: 2024-07-11. Review status: criteria provided, single submitter. Criteria: ACMG Guidelines, 2015. Collection method: clinical testing. Allele origin: germline. Affected: yes.
Comment: in homozygous state; ACMG criteria used to clasify this variant: PVS1, PM2_SUP, PP1

KardioGenetik, Herz- und Diabeteszentrum NRW
Classification: Uncertain significance for Arrhythmogenic right ventricular dysplasia 10. Last evaluated: 2024-06-05. Review status: criteria provided, single submitter. Criteria: ACMG Guidelines, 2015. Collection method: clinical testing. Allele origin: unknown. Affected: yes. Observed: 1 variant allele.
Comment: PVS1_moderate, PS4_supporting, PM2_supporting

All of Us Research Program, National Institutes of Health
Classification: Uncertain significance for Arrhythmogenic right ventricular cardiomyopathy. Last evaluated: 2023-10-02. Review status: criteria provided, single submitter. Criteria: ACMG Guidelines, 2015. Collection method: clinical testing. Allele origin: germline. Inheritance: Autosomal dominant inheritance. Observed: 1 variant allele, 1 heterozygote.
Comment: This variant alters methionine at codon 1 of the DSG2 mRNA that serves as the translation initiation codon. An alternate in-frame methionine downstream of the initiator methionine occurs at codon 179 in extracellular cadherin domain 2, after signal peptide and propeptide. To our knowledge, functional studies have not been reported for this variant. This variant has been reported in two siblings affected with arrhythmogenic right ventricular cardiomyopathy, along with a second missense variant of uncertain significance in the same gene (PMID: 20829228), and in an individual with unspecified phenotype (PMID: 33968641). This variant has not been identified in the general population by the Genome Aggregation Database (gnomAD). Although there is a suspicion for a pathogenic role, clinical relevance of loss-of-function DSG2 variants in autosomal dominant arrhythmogenic right ventricular cardiomyopathy is not yet clearly established. The available evidence is insufficient to determine the role of this variant in disease conclusively. Therefore, this variant is classified as a Variant of Uncertain Significance.

This study involves interpretation of variants in research participants for the purpose of population health screening. Participant phenotype was not available at the time of variant classification. Additional details can be found in publication PMID: 35346344, PMCID: PMC8962531

AiLife Diagnostics
Classification: Pathogenic. Last evaluated: 2021-08-11. Review status: criteria provided, single submitter. Criteria: ACMG Guidelines, 2015. Collection method: clinical testing. Allele origin: germline. Affected: yes. Observed: 1 variant allele.

Centre for Mendelian Genomics, University Medical Centre Ljubljana
Classification: Likely pathogenic for Arrhythmogenic right ventricular dysplasia 10. Last evaluated: 2019-07-12. Review status: criteria provided, single submitter. Criteria: ACMG Guidelines, 2015. Collection method: clinical testing. Allele origin: unknown. Affected: yes.
Comment: This variant was classified as: Likely pathogenic. The following ACMG criteria were applied in classifying this variant: PVS1,PM2.

Literature cited by the submitters: PubMed 17105751 (cited by Labcorp Genetics (formerly Invitae), Labcorp); PubMed 20829228 (cited by 4 submitters); PubMed 19151369 (cited by Labcorp Genetics (formerly Invitae), Labcorp); PubMed 33968641 (cited by Color Diagnostics, LLC DBA Color Health and All of Us Research Program, National Institutes of Health).

NM_001943.5(DSG2):c.3G>A (p.Met1Ile)

Genes: DSG2 (desmoglein 2; plus strand), LOC130062340 (ATAC-STARR-seq lymphoblastoid silent region 9384; plus strand). Cytogenetic location: 18q12.1.
Variant type: single nucleotide variant.
Coding change: c.3G>A on transcript NM_001943.5 (MANE Select); coding-DNA position 3, G replaced by A.
Protein change: p.Met1Ile; changes the start codon (methionine 1).
Molecular consequence: missense variant, initiator codon variant.
Genome position (GRCh38, 1-based): chr18:31,498,254, G>A. VCF-style: chr18-31498254-G-A. GRCh37 (hg19) VCF-style: chr18-29078217-G-A.
Other names: c.3G>A (LRG_397t1); short protein forms M1I.
Identifiers: ClinVar variation 657863 (VCV000657863.48), dbSNP rs1021457619, ClinGen allele CA297713103.